The following is an entry in ClinVar:

NM_001042492.3(NF1):c.6148-12G>A

Gene: NF1 (neurofibromin 1; plus strand). Cytogenetic location: 17q11.2.
Variant type: single nucleotide variant.
Coding change: c.6148-12G>A on transcript NM_001042492.3 (MANE Select); 12 bases into the intron before coding-DNA position 6148, G replaced by A.
Molecular consequence: intron variant.
Genome position (GRCh38, 1-based): chr17:31,336,623, G>A. VCF-style: chr17-31336623-G-A. GRCh37 (hg19) VCF-style: chr17-29663641-G-A.
Other names: c.6085-12G>A (NM_000267.4).
Identifiers: ClinVar variation 5042343 (VCV005042343.1).

ClinVar aggregate classification (germline): Likely benign (1 of 4 stars; one submission).

Conditions:
Neurofibromatosis, type 1 (NF1). Also called: VON RECKLINGHAUSEN DISEASE; NEUROFIBROMATOSIS, TYPE I, SOMATIC; Peripheral type neurofibromatosis; Neurofibromatosis, type I. Identifiers: Orphanet 636, MedGen C0027831, MONDO:0018975, OMIM 162200. Disease mechanism: loss of function.

gnomAD v4.1: 1 of 1,581,190 alleles (0.000063%); highest among the groups gnomAD compares: African/African-American, 0.0014%; no homozygotes.

Submission:

Myriad Genetics, Inc.
Classification: Likely benign for Neurofibromatosis, type 1. Last evaluated: 2026-09-22. Review status: criteria provided, single submitter. Criteria: Myriad Autosomal Dominant, Autosomal Recessive and X-Linked Classification Criteria (2023). Collection method: clinical testing. Allele origin: unknown.
Comment: This variant is considered likely benign. This variant is intronic and is not expected to impact mRNA splicing.